The following is an entry in ClinVar:

ClinVar aggregate classification (germline): Likely pathogenic (3 of 4 stars; one submission).

Conditions:
Monogenic diabetes. Identifiers: Orphanet 183625, MedGen C3888631, MONDO:0015967.

Allele frequency attached by ClinVar (database versions not stated): gnomAD exomes below 0.00001; ExAC 0.00002.
gnomAD v4.1: 1 of 1,613,622 alleles (0.000062%); highest among the groups gnomAD compares: Non-Finnish European, 0.000085%; no homozygotes.

Submission:

ClinGen Monogenic Diabetes Variant Curation Expert Panel
Classification: Likely pathogenic for Monogenic diabetes. Last evaluated: 2024-01-22. Review status: reviewed by expert panel. Criteria: ClinGen Diabetes ACMG Specifications HNF4A V2.0.0. Collection method: curation. Allele origin: germline. Inheritance: Autosomal dominant inheritance.
Comment: The c.938G>T variant in the HNF4 homeobox A gene, HNF4A, causes an amino acid change of Glycine to Valine at codon 313 (p.(Gly313Val)) of NM_175914.4. This variant has an incomputable gnomAD v2.1.1 Grpmax filtering allele frequency due to 1 copy in the European non-Finnish subpopulation and no copies in any other subpopulation, thereby meeting the ClinGen MDEP threshold criteria for PM2_Supporting (ENF Grpmax FAF <= 0.000003 and <= 2 copies in ENF and <=1 copy in any other subpopulation) (PM2_Supporting). This variant is predicted to be deleterious by computational evidence, with a REVEL score of 0.919. This variant is located within the ligand binding domain of HNF4A, which is critical for the protein’s function (PM1_Supporting). This variant segregated with diabetes with 3 informative meioses in 1 family (PP1; internal lab contributor). This variant was identified in 2 unrelated individuals with diabetes; however this number does not meet the MDEP cutoff for PS4_Moderate. In summary, c.938G>T meets the criteria to be classified as likely pathogenic for monogenic diabetes. ACMG/AMP criteria applied, as specified by the ClinGen MDEP (specification version 2.0.0, approved 10/11/2023): PP4_Moderate, PP1, PM2_Supporting, PM1_Supporting, PP3.

NM_175914.5(HNF4A):c.938G>T (p.Gly313Val)

Gene: HNF4A (hepatocyte nuclear factor 4 alpha; plus strand). Cytogenetic location: 20q13.12.
Variant type: single nucleotide variant.
Coding change: c.938G>T on transcript NM_175914.5 (MANE Select); coding-DNA position 938, G replaced by T.
Protein change: p.Gly313Val; replaces glycine 313 with valine.
Molecular consequence: missense variant.
Genome position (GRCh38, 1-based): chr20:44,424,129, G>T. VCF-style: chr20-44424129-G-T. GRCh37 (hg19) VCF-style: chr20-43052769-G-T.
Other names: NM_175914.5:c.938G>T; c.1004G>T, p.Gly335Val (NM_000457.6, NM_178849.3, NM_178850.3); c.938G>T, p.Gly313Val (NM_001030003.3, NM_001030004.3); c.983G>T, p.Gly328Val (NM_001258355.2); c.929G>T, p.Gly310Val (NM_001287182.2, NM_001287183.2, NM_001287184.2); short protein forms G310V, G313V, G328V, G335V.
Identifiers: ClinVar variation 2691836 (VCV002691836.1), dbSNP rs777290134, ClinGen allele CA9870415.
Genomic context (GRCh38, chr20:44,424,129, plus strand): 5'-TGCAGGTGAGCTTGGAGGACTACATCAACGACCGCCAGTATGACTCGCGTGGCCGCTTTG[G>T]AGAGCTGCTGCTGCTGCTGCCCACCTTGCAGAGCATCACCTGGCAGATGATCGAGCAGAT-3'
Protein context (NP_787110.2, residues 303-323): DRQYDSRGRF[Gly313Val]ELLLLLPTLQ